The following is an entry in ClinVar:

ClinVar aggregate classification (germline): Benign/Likely benign. Review status: criteria provided, multiple submitters, no conflicts (2 of 4 stars). 3 submissions from 3 submitters: Benign (1); Likely benign (2). Last evaluated 2026-09-15.

Conditions:
RB1-related disorder. Also called: RB1-related condition.
Hereditary cancer-predisposing syndrome. Also called: Hereditary Cancer Syndrome; Tumor predisposition; Hereditary neoplastic syndrome; Neoplastic Syndromes, Hereditary. Identifiers: Orphanet 140162, MedGen C0027672, MeSH D009386, MONDO:0015356.
Retinoblastoma (RB1). Also called: RETINOBLASTOMA, SOMATIC. Identifiers: Orphanet 790, MedGen C0035335, MeSH D012175, MONDO:0008380, OMIM 180200, HP:0009919. Disease mechanism: loss of function. Inheritance: Both sporadic and heritable forms are tested..

Allele frequency attached by ClinVar (database versions not stated): gnomAD exomes below 0.00001 and 0.00001; ExAC 0.00001.
gnomAD v4.1: 5 of 1,595,852 alleles (0.00031%); highest among the groups gnomAD compares: Admixed American, 0.0083%; no homozygotes.

Submissions (3):

PreventionGenetics, part of Exact Sciences
Classification: Likely benign for RB1-related condition. Last evaluated: 2026-09-15. Review status: criteria provided, single submitter. Criteria: ACMG Guidelines, 2015. Collection method: clinical testing. Allele origin: germline.
Comment: This variant is classified as likely benign based on ACMG/AMP sequence variant interpretation guidelines (Richards et al. 2015 PMID: 25741868, with internal and published modifications).

Labcorp Genetics (formerly Invitae), Labcorp
Classification: Benign for Retinoblastoma. Last evaluated: 2026-01-13. Review status: criteria provided, single submitter. Criteria: Invitae Variant Classification Sherloc (09022015). Collection method: clinical testing. Allele origin: germline.

Ambry Genetics
Classification: Likely benign for Hereditary cancer-predisposing syndrome. Last evaluated: 2023-09-28. Review status: criteria provided, single submitter. Criteria: Ambry Variant Classification Scheme 2023. Collection method: clinical testing. Allele origin: germline.

NM_000321.3(RB1):c.1180G>A (p.Asp394Asn)

Gene: RB1 (RB transcriptional corepressor 1; plus strand). Cytogenetic location: 13q14.2.
Variant type: single nucleotide variant.
Coding change: c.1180G>A on transcript NM_000321.3 (MANE Select); coding-DNA position 1180, G replaced by A.
Protein change: p.Asp394Asn; replaces aspartic acid 394 with asparagine.
Molecular consequence: missense variant.
Genome position (GRCh38, 1-based): chr13:48,373,457, G>A. VCF-style: chr13-48373457-G-A. GRCh37 (hg19) VCF-style: chr13-48947593-G-A.
Other names: short protein forms D394N.
Identifiers: ClinVar variation 428739 (VCV000428739.16), dbSNP rs753350745, ClinGen allele CA027779.